The following is an entry in ClinVar:

NM_001458.5(FLNC):c.1698C>T (p.Ser566=)

Gene: FLNC (filamin C; plus strand). Cytogenetic location: 7q32.1.
Variant type: single nucleotide variant.
Coding change: c.1698C>T on transcript NM_001458.5 (MANE Select); coding-DNA position 1698, C replaced by T.
Protein change: p.Ser566=; no amino-acid change (serine 566 retained).
Molecular consequence: synonymous variant.
Genome position (GRCh38, 1-based): chr7:128,840,855, C>T. VCF-style: chr7-128840855-C-T. GRCh37 (hg19) VCF-style: chr7-128480909-C-T.
Other names: c.1698C>T, p.Ser566= (NM_001127487.2).
Identifiers: ClinVar variation 193846 (VCV000193846.29), dbSNP rs112194548, ClinGen allele CA239521.

ClinVar aggregate classification (germline): Conflicting classifications of pathogenicity. Review status: criteria provided, conflicting classifications (1 of 4 stars). 10 submissions from 10 submitters: Uncertain significance (1); Benign (6); Likely benign (3). Last evaluated 2026-05-01.

Conditions:
Distal myopathy with posterior leg and anterior hand involvement. Also called: WILLIAMS DISTAL MYOPATHY. Identifiers: Orphanet 63273, MedGen C3279722, MONDO:0013550, OMIM 614065.
Hypertrophic cardiomyopathy 26. Also called: Cardiomyopathy, familial hypertrophic, 26. Identifiers: Orphanet 75249, MedGen C4310749, MONDO:0014883, OMIM 617047.
Myofibrillar myopathy 5. Also called: Filaminopathy (type); FILAMINOPATHY, AUTOSOMAL DOMINANT. Identifiers: Orphanet 171445, MedGen C1836050, MONDO:0012289, OMIM 609524.
Cardiovascular phenotype. Identifiers: MedGen CN230736.
Cardiomyopathy (CMYO). Also called: Cardiomyopathies. Identifiers: Orphanet 167848, MedGen C0878544, MONDO:0004994, HP:0001638. Inheritance: Various modes of inheritance.

Allele frequency attached by ClinVar (database versions not stated): gnomAD exomes 0.00013 and 0.00037; ExAC 0.00037; 1000 Genomes Project 0.00100; 1000 Genomes Project 30x 0.00109; ESP Exome Variant Server 0.00123; gnomAD 0.00128 and 0.00137; TOPMed 0.00156.
gnomAD v4.1: 389 of 1,613,748 alleles (0.024%); highest among the groups gnomAD compares: African/African-American, 0.48%; 1 homozygote.

Submissions (10):

CeGaT Center for Human Genetics Tuebingen
Classification: Likely benign. Last evaluated: 2026-05-01. Review status: criteria provided, single submitter. Criteria: CeGaT Center For Human Genetics Tuebingen Variant Classification Criteria Version 2. Collection method: clinical testing. Allele origin: germline. Affected: yes. Observed: 1 variant allele.
Comment: FLNC: BP4, BP7, BS1

Labcorp Genetics (formerly Invitae), Labcorp
Classification: Benign for Distal myopathy with posterior leg and anterior hand involvement; Myofibrillar myopathy 5; Hypertrophic cardiomyopathy 26. Last evaluated: 2026-01-28. Review status: criteria provided, single submitter. Criteria: Invitae Variant Classification Sherloc (09022015). Collection method: clinical testing. Allele origin: germline.

Molecular Diagnostic Laboratory for Inherited Cardiovascular Disease, Montreal Heart Institute
Classification: Likely benign. Last evaluated: 2025-04-09. Review status: criteria provided, single submitter. Criteria: ACMG Guidelines, 2015. Collection method: clinical testing. Allele origin: germline. Affected: no.

Blueprint Genetics
Classification: Likely benign. Last evaluated: 2024-09-03. Review status: criteria provided, single submitter. Criteria: ACMG Guidelines, 2015. Collection method: clinical testing. Allele origin: germline.

Women's Health and Genetics/Laboratory Corporation of America, LabCorp
Classification: Benign. Last evaluated: 2024-07-28. Review status: criteria provided, single submitter. Criteria: LabCorp Variant Classification Summary - May 2015. Collection method: clinical testing. Allele origin: germline.

Revvity Omics, Revvity
Classification: Benign. Last evaluated: 2023-08-25. Review status: criteria provided, single submitter. Criteria: ACMG Guidelines, 2015. Collection method: clinical testing. Allele origin: germline.

CHEO Genetics Diagnostic Laboratory, Children's Hospital of Eastern Ontario
Classification: Benign for Cardiomyopathy. Last evaluated: 2021-09-14. Review status: criteria provided, single submitter. Criteria: ACMG Guidelines, 2015. Collection method: clinical testing. Allele origin: germline.

Ambry Genetics
Classification: Benign for Cardiovascular phenotype. Last evaluated: 2019-02-01. Review status: criteria provided, single submitter. Criteria: Ambry Variant Classification Scheme 2023. Collection method: clinical testing. Allele origin: germline.

GeneDx
Classification: Benign. Last evaluated: 2018-07-17. Review status: criteria provided, single submitter. Criteria: GeneDx Variant Classification Process June 2021. Collection method: clinical testing. Allele origin: germline. Affected: yes.

Eurofins Ntd Llc (ga)
Classification: Uncertain significance. Last evaluated: 2015-01-20. Review status: criteria provided, single submitter. Criteria: EGL Classification Definitions 2015. Collection method: clinical testing. Allele origin: germline. Observed: 1 variant allele, 1 heterozygote.